The following is an entry in ClinVar:

ClinVar aggregate classification (germline): Uncertain significance (1 of 4 stars; one submission).

Allele frequency attached by ClinVar (database versions not stated): gnomAD exomes below 0.00001; TOPMed 0.00002.
gnomAD v4.1: 18 of 1,613,334 alleles (0.0011%); highest among the groups gnomAD compares: Non-Finnish European, 0.0015%; no homozygotes.

Submission:

GeneDx
Classification: Uncertain significance. Last evaluated: 2020-05-21. Review status: criteria provided, single submitter. Criteria: GeneDx Variant Classification Process June 2021. Collection method: clinical testing. Allele origin: germline. Affected: yes.
Comment: Not observed at a significant frequency in large population cohorts (Lek et al., 2016); In silico analysis supports that this missense variant does not alter protein structure/function; In silico analysis suggests this variant may impact gene splicing. In the absence of RNA/functional studies, the actual effect of this sequence change is unknown; Has not been previously published as pathogenic or benign to our knowledge

NM_139119.3(YY1AP1):c.403A>G (p.Ile135Val)

Gene: YY1AP1 (YY1 associated protein 1; minus strand). Cytogenetic location: 1q22.
Variant type: single nucleotide variant.
Coding change: c.403A>G on transcript NM_139119.3 (MANE Select); coding-DNA position 403, A replaced by G.
Protein change: p.Ile135Val; replaces isoleucine 135 with valine.
Molecular consequence: missense variant.
Genome position (GRCh38, 1-based): chr1:155,675,018, T>C on the plus strand (A>G on the coding strand, the complement: YY1AP1 is on the minus strand). VCF-style: chr1-155675018-T-C. GRCh37 (hg19) VCF-style: chr1-155644809-T-C.
Other names: c.370A>G, p.Ile124Val (NM_001198899.2, NM_001198900.2, NM_018253.4); c.403A>G, p.Ile135Val (NM_001198901.2, NM_001198902.2, NM_001198905.2); c.817A>G, p.Ile273Val (NM_001198903.1, NM_001198904.1); c.601A>G, p.Ile201Val (NM_001198906.2, NM_139118.3); c.205A>G, p.Ile69Val (NM_139121.3); short protein forms I124V, I135V, I201V, I273V, I69V.
Identifiers: ClinVar variation 1312653 (VCV001312653.2), dbSNP rs1278358196, ClinGen allele CA342770081.
Genomic context (GRCh38, chr1:155,675,018, plus strand): 5'-CAAGCTAATTTTATATTCTAGTCTATAGAATTACGGCAATTTGGAAACTTACAAGACATA[T>C]CCTGGTGCTACTGGCCTCCGGATTGAGATTGGGGTTGCAGGTGGCAAGAAGGTGGATTTG-3'
Protein context (NP_620830.1, residues 125-145): NLNPEASSTR[Ile135Val]CLKELGTFAQ